The following is an entry in ClinVar:

ClinVar aggregate classification (germline): Uncertain significance. Review status: criteria provided, multiple submitters, no conflicts (2 of 4 stars). 3 submissions from 3 submitters: Uncertain significance (3). Last evaluated 2024-06-28.

Conditions:
Inborn genetic diseases. Identifiers: MedGen C0950123, MeSH D030342.
Autosomal recessive limb-girdle muscular dystrophy type R18 (LGMDR18). Also called: Limb-girdle muscular dystrophy, type 2S; Autosomal recessive limb-girdle muscular dystrophy type 2S; MUSCULAR DYSTROPHY, LIMB-GIRDLE, AUTOSOMAL RECESSIVE 18. Identifiers: Orphanet 369840, MedGen C4517996, MONDO:0014144, OMIM 615356.

Allele frequency attached by ClinVar (database versions not stated): gnomAD 0.00005; gnomAD exomes 0.00006 and 0.00012; ExAC 0.00007; TOPMed 0.00007; ESP Exome Variant Server 0.00008.
gnomAD v4.1: 181 of 1,613,838 alleles (0.011%); highest among the groups gnomAD compares: Non-Finnish European, 0.015%; no homozygotes.

Submissions (3):

Ambry Genetics
Classification: Uncertain significance for Inborn genetic diseases. Last evaluated: 2024-06-28. Review status: criteria provided, single submitter. Criteria: Ambry Variant Classification Scheme 2023. Collection method: clinical testing. Allele origin: germline.

Labcorp Genetics (formerly Invitae), Labcorp
Classification: Uncertain significance for Autosomal recessive limb-girdle muscular dystrophy type R18. Last evaluated: 2022-08-16. Review status: criteria provided, single submitter. Criteria: Invitae Variant Classification Sherloc (09022015). Collection method: clinical testing. Allele origin: germline.
Comment: This sequence change replaces serine, which is neutral and polar, with tyrosine, which is neutral and polar, at codon 407 of the TRAPPC11 protein (p.Ser407Tyr). This variant is present in population databases (rs375379302, gnomAD 0.01%). This variant has not been reported in the literature in individuals affected with TRAPPC11-related conditions. ClinVar contains an entry for this variant (Variation ID: 474344). Algorithms developed to predict the effect of missense changes on protein structure and function are either unavailable or do not agree on the potential impact of this missense change (SIFT: "Deleterious"; PolyPhen-2: "Possibly Damaging"; Align-GVGD: "Class C15"). In summary, the available evidence is currently insufficient to determine the role of this variant in disease. Therefore, it has been classified as a Variant of Uncertain Significance.

Revvity Omics, Revvity
Classification: Uncertain significance for Autosomal recessive limb-girdle muscular dystrophy type R18. Last evaluated: 2020-10-02. Review status: criteria provided, single submitter. Criteria: ACMG Guidelines, 2015. Collection method: clinical testing. Allele origin: germline.

NM_021942.6(TRAPPC11):c.1220C>A (p.Ser407Tyr)

Gene: TRAPPC11 (trafficking protein particle complex subunit 11; plus strand). Cytogenetic location: 4q35.1.
Variant type: single nucleotide variant.
Coding change: c.1220C>A on transcript NM_021942.6 (MANE Select); coding-DNA position 1220, C replaced by A.
Protein change: p.Ser407Tyr; replaces serine 407 with tyrosine.
Molecular consequence: missense variant.
Genome position (GRCh38, 1-based): chr4:183,683,987, C>A. VCF-style: chr4-183683987-C-A. GRCh37 (hg19) VCF-style: chr4-184605140-C-A.
Other names: c.1220C>A (NM_021942.4); c.1220C>A, p.Ser407Tyr (NM_199053.3); short protein forms S407Y.
Identifiers: ClinVar variation 474344 (VCV000474344.10), dbSNP rs375379302, ClinGen allele CA3151851.